The following is an entry in ClinVar:

NM_005956.4(MTHFD1):c.1884+6C>A

Gene: MTHFD1 (methylenetetrahydrofolate dehydrogenase, cyclohydrolase and formyltetrahydrofolate synthetase 1; plus strand). Cytogenetic location: 14q23.3.
Variant type: single nucleotide variant.
Coding change: c.1884+6C>A on transcript NM_005956.4 (MANE Select); 6 bases into the intron after coding-DNA position 1884, C replaced by A.
Molecular consequence: intron variant.
Genome position (GRCh38, 1-based): chr14:64,441,459, C>A. VCF-style: chr14-64441459-C-A. GRCh37 (hg19) VCF-style: chr14-64908177-C-A.
Other names: c.1884+6C>A (NM_001364837.1).
Identifiers: ClinVar variation 3711024 (VCV003711024.2).
Genomic context (GRCh38, chr14:64,441,459, plus strand): 5'-ACTGACAGTGCTTATGAAGGACGCAATCAAGCCCAATCTCATGCAGACACTGGAGGTGAG[C>A]AGAGTGACTCCTGCCTTCTTGAATTGGTTTTGGACAGTCAGAGCAGAGTGGTTATAAAGC-3'

ClinVar aggregate classification (germline): Uncertain significance (1 of 4 stars; one submission).

gnomAD v4.1: 14 of 1,613,532 alleles (0.00087%); highest among the groups gnomAD compares: Admixed American, 0.0033%; no homozygotes.

Submission:

Labcorp Genetics (formerly Invitae), Labcorp
Classification: Uncertain significance. Last evaluated: 2024-03-05. Review status: criteria provided, single submitter. Criteria: Invitae Variant Classification Sherloc (09022015). Collection method: clinical testing. Allele origin: germline.
Comment: This sequence change falls in intron 19 of the MTHFD1 gene. It does not directly change the encoded amino acid sequence of the MTHFD1 protein. It affects a nucleotide within the consensus splice site. This variant is present in population databases (no rsID available, gnomAD 0.005%). This variant has not been reported in the literature in individuals affected with MTHFD1-related conditions. Variants that disrupt the consensus splice site are a relatively common cause of aberrant splicing (PMID: 17576681, 9536098). Algorithms developed to predict the effect of sequence changes on RNA splicing suggest that this variant is not likely to affect RNA splicing. In summary, the available evidence is currently insufficient to determine the role of this variant in disease. Therefore, it has been classified as a Variant of Uncertain Significance.

Literature cited by the submitters: PubMed 17576681; PubMed 9536098.